The following is an entry in ClinVar:

ClinVar aggregate classification (germline): Uncertain significance. Review status: criteria provided, single submitter (1 of 4 stars). 3 submissions from 3 submitters: Uncertain significance (1). 2 of the submissions do not count toward it. Last evaluated 2021-09-01.

Conditions:
Granulomatous disease, chronic, autosomal recessive, cytochrome b-negative. Also called: Chronic granulomatous disease, autosomal, due to deficiency of CYBA; GRANULOMATOUS DISEASE, CHRONIC, AUTOSOMAL RECESSIVE, 4; CGD DUE TO DEFICIENCY OF THE ALPHA SUBUNIT OF CYTOCHROME b; CGD, AUTOSOMAL RECESSIVE CYTOCHROME b-NEGATIVE; CYBA DEFICIENCY. Identifiers: Orphanet 379, MedGen C1856255, MONDO:0009308, OMIM 233690.
Chronic granulomatous disease. Identifiers: Orphanet 379, MedGen C0018203, MONDO:0018305.
CYBA-related disorder. Also called: CYBA-related condition.

Allele frequency attached by ClinVar (database versions not stated): TOPMed below 0.00001; gnomAD exomes 0.00006.
gnomAD v4.1: 24 of 1,555,458 alleles (0.0015%); highest among the groups gnomAD compares: Admixed American, 0.013%; no homozygotes.

Submissions (3):

Labcorp Genetics (formerly Invitae), Labcorp
Classification: Uncertain significance for Granulomatous disease, chronic, autosomal recessive, cytochrome b-negative. Last evaluated: 2021-09-01. Review status: criteria provided, single submitter. Criteria: Invitae Variant Classification Sherloc (09022015). Collection method: clinical testing. Allele origin: germline.
Comment: This sequence change replaces glycine with serine at codon 102 of the CYBA protein (p.Gly102Ser). The glycine residue is highly conserved and there is a small physicochemical difference between glycine and serine. This variant is not present in population databases (ExAC no frequency). This variant has not been reported in the literature in individuals affected with CYBA-related conditions. Algorithms developed to predict the effect of missense changes on protein structure and function are either unavailable or do not agree on the potential impact of this missense change (SIFT: "Deleterious"; PolyPhen-2: "Probably Damaging"; Align-GVGD: "Class C0"). Algorithms developed to predict the effect of sequence changes on RNA splicing suggest that this variant may create or strengthen a splice site. In summary, the available evidence is currently insufficient to determine the role of this variant in disease. Therefore, it has been classified as a Variant of Uncertain Significance.

PreventionGenetics, part of Exact Sciences
Classification: Uncertain significance for CYBA-related condition. Last evaluated: 2024-04-18. Review status: no assertion criteria provided. Collection method: clinical testing. Allele origin: germline. Not counted in ClinVar's aggregate classification.
Comment: The CYBA c.304G>A variant is predicted to result in the amino acid substitution p.Gly102Ser. To our knowledge, this variant has not been reported in the literature. This variant is reported in 0.027% of alleles in individuals of Latino descent in gnomAD. At this time, the clinical significance of this variant is uncertain due to the absence of conclusive functional and genetic evidence.

Natera, Inc.
Classification: Uncertain significance for Chronic granulomatous disease. Last evaluated: 2020-09-16. Review status: no assertion criteria provided. Collection method: clinical testing. Allele origin: germline. Not counted in ClinVar's aggregate classification.

NM_000101.4(CYBA):c.304G>A (p.Gly102Ser)

Gene: CYBA (cytochrome b-245 alpha chain; minus strand). Cytogenetic location: 16q24.2.
Variant type: single nucleotide variant.
Coding change: c.304G>A on transcript NM_000101.4 (MANE Select); coding-DNA position 304, G replaced by A.
Protein change: p.Gly102Ser; replaces glycine 102 with serine.
Molecular consequence: missense variant.
Genome position (GRCh38, 1-based): chr16:88,646,181, C>T on the plus strand (G>A on the coding strand, the complement: CYBA is on the minus strand). VCF-style: chr16-88646181-C-T. GRCh37 (hg19) VCF-style: chr16-88712589-C-T.
Other names: short protein forms G102S.
Identifiers: ClinVar variation 853154 (VCV000853154.5), dbSNP rs1325655401, ClinGen allele CA397063293.